The following is an entry in ClinVar:

ClinVar aggregate classification (germline): Uncertain significance (1 of 4 stars; one submission).

Conditions:
Neuronal ceroid lipofuscinosis. Also called: Neuronal Ceroid Lipofuscinoses. Identifiers: Orphanet 216, Orphanet 79263, MedGen C0027877, MONDO:0016295. Disease mechanism: loss of function.

Submission:

Labcorp Genetics (formerly Invitae), Labcorp
Classification: Uncertain significance for Neuronal ceroid lipofuscinosis. Last evaluated: 2025-05-04. Review status: criteria provided, single submitter. Criteria: Invitae Variant Classification Sherloc (09022015). Collection method: clinical testing. Allele origin: germline.
Comment: This sequence change replaces arginine, which is basic and polar, with glycine, which is neutral and non-polar, at codon 205 of the CTSD protein (p.Arg205Gly). This variant is present in population databases (no rsID available, gnomAD 0.003%). This variant has not been reported in the literature in individuals affected with CTSD-related conditions. Invitae Evidence Modeling of protein sequence and biophysical properties (such as structural, functional, and spatial information, amino acid conservation, physicochemical variation, residue mobility, and thermodynamic stability) indicates that this missense variant is not expected to disrupt CTSD protein function with a negative predictive value of 80%. In summary, the available evidence is currently insufficient to determine the role of this variant in disease. Therefore, it has been classified as a Variant of Uncertain Significance.

NM_001909.5(CTSD):c.613C>G (p.Arg205Gly)

Gene: CTSD (cathepsin D; minus strand). Cytogenetic location: 11p15.5.
Variant type: single nucleotide variant.
Coding change: c.613C>G on transcript NM_001909.5 (MANE Select); coding-DNA position 613, C replaced by G.
Protein change: p.Arg205Gly; replaces arginine 205 with glycine.
Molecular consequence: missense variant.
Genome position (GRCh38, 1-based): chr11:1,757,415, G>C on the plus strand (C>G on the coding strand, the complement: CTSD is on the minus strand). VCF-style: chr11-1757415-G-C. GRCh37 (hg19) VCF-style: chr11-1778645-G-C.
Other names: short protein forms R205G.
Identifiers: ClinVar variation 4748049 (VCV004748049.1).